The following is an entry in ClinVar:

ClinVar aggregate classification (germline): Likely pathogenic (1 of 4 stars; one submission).

Allele frequency attached by ClinVar (database versions not stated): gnomAD exomes below 0.00001.
gnomAD v4.1: 1 of 1,613,864 alleles (0.000062%); highest among the groups gnomAD compares: Non-Finnish European, 0.000085%; no homozygotes.

Submission:

CeGaT Center for Human Genetics Tuebingen
Classification: Likely pathogenic. Last evaluated: 2022-12-01. Review status: criteria provided, single submitter. Criteria: CeGaT Center For Human Genetics Tuebingen Variant Classification Criteria Version 2. Collection method: clinical testing. Allele origin: germline. Affected: yes. Observed: 1 variant allele.
Comment: COL6A3: PM1:Strong, PM2, PM5, PP3

NM_004369.4(COL6A3):c.6293G>A (p.Gly2098Glu)

Genes: COL6A3 (collagen type VI alpha 3 chain; minus strand), LOC122889011 (Sharpr-MPRA regulatory region 1020; plus strand). Cytogenetic location: 2q37.3.
Variant type: single nucleotide variant.
Coding change: c.6293G>A on transcript NM_004369.4 (MANE Select); coding-DNA position 6293, G replaced by A.
Protein change: p.Gly2098Glu; replaces glycine 2098 with glutamic acid.
Molecular consequence: missense variant.
Genome position (GRCh38, 1-based): chr2:237,359,378, C>T on the plus strand (G>A on the coding strand, the complement: COL6A3 is on the minus strand). VCF-style: chr2-237359378-C-T. GRCh37 (hg19) VCF-style: chr2-238268021-C-T.
Other names: c.4472G>A, p.Gly1491Glu (NM_057166.5); c.5675G>A, p.Gly1892Glu (NM_057167.4); short protein forms G1491E, G1892E, G2098E.
Identifiers: ClinVar variation 1879527 (VCV001879527.26), dbSNP rs794727206, ClinGen allele CA351216297.